The following is an entry in ClinVar:

ClinVar aggregate classification (germline): Uncertain significance (1 of 4 stars; one submission).

Submission:

Labcorp Genetics (formerly Invitae), Labcorp
Classification: Uncertain significance. Last evaluated: 2024-10-17. Review status: criteria provided, single submitter. Criteria: Invitae Variant Classification Sherloc (09022015). Collection method: clinical testing. Allele origin: germline.
Comment: This sequence change replaces histidine, which is basic and polar, with arginine, which is basic and polar, at codon 55 of the PTF1A protein (p.His55Arg). This variant is present in population databases (rs79353984, gnomAD 0.06%). This variant has not been reported in the literature in individuals affected with PTF1A-related conditions. Invitae Evidence Modeling of protein sequence and biophysical properties (such as structural, functional, and spatial information, amino acid conservation, physicochemical variation, residue mobility, and thermodynamic stability) indicates that this missense variant is not expected to disrupt PTF1A protein function with a negative predictive value of 80%. In summary, the available evidence is currently insufficient to determine the role of this variant in disease. Therefore, it has been classified as a Variant of Uncertain Significance.

NM_178161.3(PTF1A):c.164A>G (p.His55Arg)

Gene: PTF1A (pancreas associated transcription factor 1a; plus strand). Cytogenetic location: 10p12.2.
Variant type: single nucleotide variant.
Coding change: c.164A>G on transcript NM_178161.3 (MANE Select); coding-DNA position 164, A replaced by G.
Protein change: p.His55Arg; replaces histidine 55 with arginine.
Molecular consequence: missense variant.
Genome position (GRCh38, 1-based): chr10:23,192,694, A>G. VCF-style: chr10-23192694-A-G. GRCh37 (hg19) VCF-style: chr10-23481623-A-G.
Other names: short protein forms H55R.
Identifiers: ClinVar variation 3711293 (VCV003711293.1).